The following is an entry in ClinVar:

ClinVar aggregate classification (germline): Uncertain significance (1 of 4 stars; one submission).

Allele frequency attached by ClinVar (database versions not stated): TOPMed 0.00001.

Submission:

GeneDx
Classification: Uncertain significance. Last evaluated: 2020-01-30. Review status: criteria provided, single submitter. Criteria: GeneDx Variant Classification Process June 2021. Collection method: clinical testing. Allele origin: germline. Affected: yes.
Comment: Not observed in large population cohorts (Lek et al., 2016); In silico analysis, which includes protein predictors and evolutionary conservation, supports that this variant does not alter protein structure/function; Has not been previously published as pathogenic or benign to our knowledge; Variants in candidate genes are classified as variants of uncertain significance in accordance with ACMG guidelines (Richards et al., 2015)

NM_021096.4(CACNA1I):c.6211G>A (p.Gly2071Ser)

Gene: CACNA1I (calcium voltage-gated channel subunit alpha1 I; plus strand). Cytogenetic location: 22q13.1.
Variant type: single nucleotide variant.
Coding change: c.6211G>A on transcript NM_021096.4 (MANE Select); coding-DNA position 6211, G replaced by A.
Protein change: p.Gly2071Ser; replaces glycine 2071 with serine.
Molecular consequence: missense variant.
Genome position (GRCh38, 1-based): chr22:39,685,944, G>A. VCF-style: chr22-39685944-G-A. GRCh37 (hg19) VCF-style: chr22-40081949-G-A.
Other names: c.6106G>A, p.Gly2036Ser (NM_001003406.2); short protein forms G2036S, G2071S.
Identifiers: ClinVar variation 1311519 (VCV001311519.2), dbSNP rs1184333664, ClinGen allele CA411646952.